The following is an entry in ClinVar:

NM_001927.4(DES):c.146T>A (p.Val49Glu)

Gene: DES (desmin; plus strand). Cytogenetic location: 2q35.
Variant type: single nucleotide variant.
Coding change: c.146T>A on transcript NM_001927.4 (MANE Select); coding-DNA position 146, T replaced by A.
Protein change: p.Val49Glu; replaces valine 49 with glutamic acid.
Molecular consequence: missense variant.
Genome position (GRCh38, 1-based): chr2:219,418,608, T>A. VCF-style: chr2-219418608-T-A. GRCh37 (hg19) VCF-style: chr2-220283330-T-A.
Other names: c.146T>A, p.Val49Glu (NM_001382708.1, NM_001382709.1, NM_001382710.1 and 3 more transcripts); short protein forms V49E.
Identifiers: ClinVar variation 4783740 (VCV004783740.1).

ClinVar aggregate classification (germline): Uncertain significance (1 of 4 stars; one submission).

Conditions:
Desmin-related myofibrillar myopathy (MFM1). Also called: Desminopathy; Desmin related myopathy (former name); Desmin storage myopathy (former name); MYOFIBRILLAR MYOPATHY WITH ARRHYTHMOGENIC RIGHT VENTRICULAR CARDIOMYOPATHY; DESMIN-RELATED MYOPATHY WITH ARRHYTHMOGENIC RIGHT VENTRICULAR CARDIOMYOPATHY; Myofibrillar myopathy 1. Identifiers: Orphanet 363543, Orphanet 98909, MedGen C1832370, MONDO:0011076, OMIM 601419.

Submission:

Labcorp Genetics (formerly Invitae), Labcorp
Classification: Uncertain significance for Desmin-related myofibrillar myopathy. Last evaluated: 2025-07-20. Review status: criteria provided, single submitter. Criteria: Invitae Variant Classification Sherloc (09022015). Collection method: clinical testing. Allele origin: germline.
Comment: This sequence change replaces valine, which is neutral and non-polar, with glutamic acid, which is acidic and polar, at codon 49 of the DES protein (p.Val49Glu). This variant is not present in population databases (gnomAD no frequency). This variant has not been reported in the literature in individuals affected with DES-related conditions. Invitae Evidence Modeling of protein sequence and biophysical properties (such as structural, functional, and spatial information, amino acid conservation, physicochemical variation, residue mobility, and thermodynamic stability) has been performed for this missense variant. However, the output from this modeling did not meet the statistical confidence thresholds required to predict the impact of this variant on DES protein function. In summary, the available evidence is currently insufficient to determine the role of this variant in disease. Therefore, it has been classified as a Variant of Uncertain Significance.